The following is an entry in ClinVar:

NM_001370259.2(MEN1):c.889G>A (p.Asp297Asn)

Gene: MEN1 (menin 1; minus strand). Cytogenetic location: 11q13.1.
Variant type: single nucleotide variant.
Coding change: c.889G>A on transcript NM_001370259.2 (MANE Select); coding-DNA position 889, G replaced by A.
Protein change: p.Asp297Asn; replaces aspartic acid 297 with asparagine.
Molecular consequence: missense variant. On other transcripts: non-coding transcript variant (4).
Genome position (GRCh38, 1-based): chr11:64,807,034, C>T on the plus strand (G>A on the coding strand, the complement: MEN1 is on the minus strand). VCF-style: chr11-64807034-C-T. GRCh37 (hg19) VCF-style: chr11-64574506-C-T.
Other names: c.889G>A, p.Asp297Asn (NM_001407147.1, NM_001407152.1, NM_130799.3 and 7 more transcripts); c.784G>A, p.Asp262Asn (NM_001407148.1, NM_001407149.1, NM_001407151.1 and 2 more transcripts); c.904G>A, p.Asp302Asn (NM_001407150.1, NM_130800.3, NM_130801.3 and 5 more transcripts); short protein forms D302N, D297N, D262N.
Identifiers: ClinVar variation 5024272 (VCV005024272.1).
Genomic context (GRCh38, chr11:64,807,034, plus strand): 5'-AGGGTCTCCCTTCTGCACCCTCCTTAGATGCCCCCACCTTGTGGTAGAGGGTGAGTGGGT[C>T]TGGCCGGCCAGGGGTGGGCTCCAGCTCCTCTAGATCTGCCAGGTTCCCTAAGGCCATGGG-3'
Protein context (NP_001357188.2, residues 287-307): EELEPTPGRP[Asp297Asn]PLTLYHKGIA

ClinVar aggregate classification (germline): Uncertain significance (1 of 4 stars; one submission).

Conditions:
Hereditary cancer-predisposing syndrome. Also called: Neoplastic Syndromes, Hereditary; Tumor predisposition; Hereditary neoplastic syndrome; Hereditary Cancer Syndrome. Identifiers: Orphanet 140162, MedGen C0027672, MeSH D009386, MONDO:0015356.

Submission:

Ambry Genetics
Classification: Uncertain significance for Hereditary cancer-predisposing syndrome. Last evaluated: 2026-06-26. Review status: criteria provided, single submitter. Criteria: Ambry Variant Classification Scheme 2023. Collection method: clinical testing. Allele origin: germline.
Comment: The p.D297N variant (also known as c.889G>A), located in coding exon 5 of the MEN1 gene, results from a G to A substitution at nucleotide position 889. The aspartic acid at codon 297 is replaced by asparagine, an amino acid with highly similar properties. This amino acid position is conserved. In addition, this alteration is predicted to be tolerated by in silico analysis. Based on the available evidence, the clinical significance of this variant remains unclear.